The following is an entry in ClinVar:

ClinVar aggregate classification (germline): Uncertain significance (1 of 4 stars; one submission).

Submission:

Labcorp Genetics (formerly Invitae), Labcorp
Classification: Uncertain significance. Last evaluated: 2025-07-06. Review status: criteria provided, single submitter. Criteria: Invitae Variant Classification Sherloc (09022015). Collection method: clinical testing. Allele origin: germline.
Comment: This sequence change replaces arginine, which is basic and polar, with serine, which is neutral and polar, at codon 219 of the PPP2R5D protein (p.Arg219Ser). This variant is not present in population databases (gnomAD no frequency). This variant has not been reported in the literature in individuals affected with PPP2R5D-related conditions. An algorithm developed to predict the effect of missense changes on protein structure and function (PolyPhen-2) suggests that this variant is likely to be disruptive. In summary, the available evidence is currently insufficient to determine the role of this variant in disease. Therefore, it has been classified as a Variant of Uncertain Significance.

NM_006245.4(PPP2R5D):c.655C>A (p.Arg219Ser)

Gene: PPP2R5D (protein phosphatase 2 regulatory subunit B'delta; plus strand). Cytogenetic location: 6p21.1.
Variant type: single nucleotide variant.
Coding change: c.655C>A on transcript NM_006245.4 (MANE Select); coding-DNA position 655, C replaced by A.
Protein change: p.Arg219Ser; replaces arginine 219 with serine.
Molecular consequence: missense variant.
Genome position (GRCh38, 1-based): chr6:43,007,435, C>A. VCF-style: chr6-43007435-C-A. GRCh37 (hg19) VCF-style: chr6-42975173-C-A.
Other names: c.202C>A, p.Arg68Ser (NM_001270476.2); c.559C>A, p.Arg187Ser (NM_180976.3); c.337C>A, p.Arg113Ser (NM_180977.3); short protein forms R113S, R187S, R219S, R68S.
Identifiers: ClinVar variation 4722722 (VCV004722722.1).